The following is an entry in ClinVar:

ClinVar aggregate classification (germline): Benign. Review status: criteria provided, multiple submitters, no conflicts (2 of 4 stars). 7 submissions from 7 submitters: Benign (7). Last evaluated 2026-02-03.

Conditions:
Autosomal dominant nonsyndromic hearing loss 44. Identifiers: Orphanet 90635, MedGen C1843895, MONDO:0011832, OMIM 607453.

Allele frequency attached by ClinVar (database versions not stated): gnomAD exomes 0.47759 and 0.53257; ExAC 0.53722; ESP Exome Variant Server 0.57258; gnomAD 0.57926 and 0.58148; TOPMed 0.59932; 1000 Genomes Project 0.64457; 1000 Genomes Project 30x 0.65162.

Submissions (7):

Labcorp Genetics (formerly Invitae), Labcorp
Classification: Benign. Last evaluated: 2026-02-03. Review status: criteria provided, single submitter. Criteria: Invitae Variant Classification Sherloc (09022015). Collection method: clinical testing. Allele origin: germline.

Genome-Nilou Lab
Classification: Benign for Autosomal dominant nonsyndromic hearing loss 44. Last evaluated: 2021-07-14. Review status: criteria provided, single submitter. Criteria: ACMG Guidelines, 2015. Collection method: clinical testing. Allele origin: germline. Affected: no.

Mayo Clinic Laboratories, Mayo Clinic
Classification: Benign. Last evaluated: 2019-06-24. Review status: criteria provided, single submitter. Criteria: ACMG Guidelines, 2015. Collection method: clinical testing. Allele origin: germline. Observed: 116 variant alleles.

GeneDx
Classification: Benign. Last evaluated: 2017-05-09. Review status: criteria provided, single submitter. Criteria: GeneDx Variant Classification (06012015). Collection method: clinical testing. Allele origin: germline. Affected: yes.
Comment: This variant is considered likely benign or benign based on one or more of the following criteria: it is a conservative change, it occurs at a poorly conserved position in the protein, it is predicted to be benign by multiple in silico algorithms, and/or has population frequency not consistent with disease.

Laboratory for Molecular Medicine, Mass General Brigham Personalized Medicine
Classification: Benign. Last evaluated: 2012-05-07. Review status: criteria provided, single submitter. Criteria: LMM Criteria. Collection method: clinical testing. Allele origin: germline. Observed: 1,268 variant alleles.
Comment: Met332Thr in Exon 07 of CCDC50: This variant is not expected to have clinical si gnificance because it has been identified in 46.1% (3235/7020) of European Ameri can chromosomes from a broad population by the NHLBI Exome Sequencing Project (dbSNP rs293813).

Breakthrough Genomics
Classification: Benign. Review status: criteria provided, single submitter. Criteria: ACMG Guidelines, 2015. Collection method: not provided. Allele origin: germline. Inheritance: Autosomal dominant inheritance. Affected: yes.

PreventionGenetics, part of Exact Sciences
Classification: Benign. Review status: criteria provided, single submitter. Criteria: ACMG Guidelines, 2015. Collection method: clinical testing. Allele origin: germline.

NM_178335.3(CCDC50):c.995T>C (p.Met332Thr)

Gene: CCDC50 (coiled-coil domain containing 50; plus strand). Cytogenetic location: 3q28.
Variant type: single nucleotide variant.
Coding change: c.995T>C on transcript NM_178335.3 (MANE Select); coding-DNA position 995, T replaced by C.
Protein change: p.Met332Thr; replaces methionine 332 with threonine.
Molecular consequence: missense variant.
Genome position (GRCh38, 1-based): chr3:191,380,177, T>C. VCF-style: chr3-191380177-T-C. GRCh37 (hg19) VCF-style: chr3-191097966-T-C.
Other names: c.467T>C, p.Met156Thr (NM_174908.4); short protein forms M332T, M156T.
Identifiers: ClinVar variation 48161 (VCV000048161.17), dbSNP rs293813, ClinGen allele CA142726.
Genomic context (GRCh38, chr3:191,380,177, plus strand): 5'-CTCGGTTGTTTTATTACATTGAGTTTTTTTTTTTTTTTAAAGGAATGAAGCCAAGAGTGA[T>C]GAAAGAAGCTGTATCTACTCCATCACGAATGGCCCACAGGGATCAGGAATGGTATGATGC-3'
Protein context (NP_848018.1, residues 322-342): LHDAGMKPRV[Met332Thr]KEAVSTPSRM